The following is an entry in ClinVar:

ClinVar aggregate classification (germline): Uncertain significance (1 of 4 stars; one submission).

Submission:

Ambry Genetics
Classification: Uncertain significance. Last evaluated: 2025-08-10. Review status: criteria provided, single submitter. Criteria: Ambry Variant Classification Scheme 2023. Collection method: clinical testing. Allele origin: germline.
Comment: The p.Q736R variant (also known as c.2207A>G), located in coding exon 10 of the WNK2 gene, results from an A to G substitution at nucleotide position 2207. The glutamine at codon 736 is replaced by arginine, an amino acid with highly similar properties. This amino acid position is conserved. In addition, the in silico prediction for this alteration is inconclusive. Based on the available evidence, the clinical significance of this variant remains unclear.

NM_006648.4(WNK2):c.2207A>G (p.Gln736Arg)

Gene: WNK2 (WNK lysine deficient protein kinase 2; plus strand). Cytogenetic location: 9q22.31.
Variant type: single nucleotide variant.
Coding change: c.2207A>G on transcript NM_006648.4 (MANE Select); coding-DNA position 2207, A replaced by G.
Protein change: p.Gln736Arg; replaces glutamine 736 with arginine.
Molecular consequence: missense variant.
Genome position (GRCh38, 1-based): chr9:93,256,964, A>G. VCF-style: chr9-93256964-A-G. GRCh37 (hg19) VCF-style: chr9-96019246-A-G.
Other names: c.2207A>G, p.Gln736Arg (NM_001282394.3); short protein forms Q736R.
Identifiers: ClinVar variation 4201737 (VCV004201737.1).